The following is an entry in ClinVar:

ClinVar aggregate classification (germline): Uncertain significance (1 of 4 stars; one submission).

Allele frequency attached by ClinVar (database versions not stated): gnomAD exomes below 0.00001; TOPMed below 0.00001; gnomAD 0.00001.
gnomAD v4.1: 7 of 1,613,164 alleles (0.00043%); highest among the groups gnomAD compares: South Asian, 0.0022%; no homozygotes.

Submission:

GeneDx
Classification: Uncertain significance. Last evaluated: 2019-06-07. Review status: criteria provided, single submitter. Criteria: GeneDx Variant Classification Process June 2021. Collection method: clinical testing. Allele origin: germline. Affected: yes.
Comment: Not observed in large population cohorts (Lek et al., 2016); In silico analysis, which includes protein predictors and evolutionary conservation, supports a deleterious effect; Has not been previously published as pathogenic or benign to our knowledge

NM_004247.4(EFTUD2):c.1628G>A (p.Arg543His)

Gene: EFTUD2 (elongation factor Tu GTP binding domain containing 2; minus strand). Cytogenetic location: 17q21.31.
Variant type: single nucleotide variant.
Coding change: c.1628G>A on transcript NM_004247.4 (MANE Select); coding-DNA position 1628, G replaced by A.
Protein change: p.Arg543His; replaces arginine 543 with histidine.
Molecular consequence: missense variant.
Genome position (GRCh38, 1-based): chr17:44,860,523, C>T on the plus strand (G>A on the coding strand, the complement: EFTUD2 is on the minus strand). VCF-style: chr17-44860523-C-T. GRCh37 (hg19) VCF-style: chr17-42937891-C-T.
Other names: c.1523G>A, p.Arg508His (NM_001142605.2); c.1628G>A, p.Arg543His (NM_001258353.2); c.1598G>A, p.Arg533His (NM_001258354.2); short protein forms R508H, R533H, R543H.
Identifiers: ClinVar variation 1306374 (VCV001306374.2), dbSNP rs2050636284, ClinGen allele CA399812549.